The following is an entry in ClinVar:

ClinVar aggregate classification (germline): Pathogenic/Likely pathogenic. Review status: criteria provided, multiple submitters, no conflicts (2 of 4 stars). 3 submissions from 3 submitters: Pathogenic (1); Likely pathogenic (1). 1 of the submissions does not count toward it. Last evaluated 2023-06-20.

Conditions:
Deficiency of alpha-mannosidase (MANSA). Also called: LYSOSOMAL ALPHA-D-MANNOSIDASE DEFICIENCY; Mannosidosis, alpha-, types I and II; Alpha-Mannosidosis. Identifiers: Orphanet 61, MedGen C0024748, MONDO:0009561, OMIM 248500.

Allele frequency attached by ClinVar (database versions not stated): gnomAD exomes below 0.00001; ExAC 0.00001; gnomAD 0.00001.

Submissions (3):

Labcorp Genetics (formerly Invitae), Labcorp
Classification: Pathogenic for Deficiency of alpha-mannosidase. Last evaluated: 2023-06-20. Review status: criteria provided, single submitter. Criteria: Invitae Variant Classification Sherloc (09022015). Collection method: clinical testing. Allele origin: germline.
Comment: This variant has not been reported in the literature in individuals affected with MAN2B1-related conditions. For these reasons, this variant has been classified as Pathogenic. ClinVar contains an entry for this variant (Variation ID: 551897). This variant is present in population databases (rs748872992, gnomAD 0.0009%). This sequence change creates a premature translational stop signal (p.Pro529Alafs*82) in the MAN2B1 gene. It is expected to result in an absent or disrupted protein product. Loss-of-function variants in MAN2B1 are known to be pathogenic (PMID: 9915946, 22161967).

Centre for Mendelian Genomics, University Medical Centre Ljubljana
Classification: Likely pathogenic for Deficiency of alpha-mannosidase. Last evaluated: 2019-03-28. Review status: criteria provided, single submitter. Criteria: ACMG Guidelines, 2015. Collection method: clinical testing. Allele origin: unknown. Affected: yes.
Comment: This variant was classified as: Likely pathogenic. The following ACMG criteria were applied in classifying this variant: PVS1,PM2.

Counsyl
Classification: Likely pathogenic for Deficiency of alpha-mannosidase. Last evaluated: 2017-05-12. Review status: no assertion criteria provided. Collection method: clinical testing. Allele origin: unknown. Not counted in ClinVar's aggregate classification.

Literature cited by the submitters: PubMed 9915946 (cited by Labcorp Genetics (formerly Invitae), Labcorp); PubMed 22161967 (cited by Labcorp Genetics (formerly Invitae), Labcorp).

NM_000528.4(MAN2B1):c.1583dup (p.Pro529fs)

Gene: MAN2B1 (mannosidase alpha class 2B member 1; minus strand). Cytogenetic location: 19p13.13.
Variant type: Duplication.
Coding change: c.1583dup on transcript NM_000528.4 (MANE Select); coding-DNA position 1583, one base duplicated (T; older notation c.1583dupT).
Protein change: p.Pro529fs; shifts the reading frame from proline 529.
Molecular consequence: frameshift variant.
Genome position (GRCh38, 1-based): chr19:12,656,632, A duplicated on the plus strand (T on the coding strand, the reverse complement: MAN2B1 is on the minus strand). VCF-style (leftmost placement, unchanged base first): chr19-12656631-C-CA. GRCh37 (hg19) VCF-style: chr19-12767445-C-CA.
Other names: c.1583dupT (NM_000528.3); c.1580dup, p.Pro528fs (NM_001173498.2); short protein forms P529fs, P528fs.
Identifiers: ClinVar variation 551897 (VCV000551897.8), dbSNP rs748872992, ClinGen allele CA9226388.